The following is an entry in ClinVar:

NM_000138.5(FBN1):c.6739+295G>A

Gene: FBN1 (fibrillin 1; minus strand). Cytogenetic location: 15q21.1.
Variant type: single nucleotide variant.
Coding change: c.6739+295G>A on transcript NM_000138.5 (MANE Select); 295 bases into the intron after coding-DNA position 6739, G replaced by A.
Molecular consequence: intron variant.
Genome position (GRCh38, 1-based): chr15:48,432,571, C>T on the plus strand (G>A on the coding strand, the complement: FBN1 is on the minus strand). VCF-style: chr15-48432571-C-T. GRCh37 (hg19) VCF-style: chr15-48724768-C-T.
Identifiers: ClinVar variation 680578 (VCV000680578.1), dbSNP rs8034591, ClinGen allele CA14170151.

ClinVar aggregate classification (germline): Benign (1 of 4 stars; one submission).

Allele frequency attached by ClinVar (database versions not stated): 1000 Genomes Project 30x 0.40194; 1000 Genomes Project 0.40735; TOPMed 0.49424; gnomAD 0.50419.
gnomAD v4.1: 78,016 of 151,984 alleles (51%); highest among the groups gnomAD compares: Non-Finnish European, 69%; 24,456 homozygotes.

Submission:

GeneDx
Classification: Benign. Last evaluated: 2018-06-14. Review status: criteria provided, single submitter. Criteria: GeneDx Variant Classification (06012015). Collection method: clinical testing. Allele origin: germline. Affected: yes.
Comment: This variant is considered likely benign or benign based on one or more of the following criteria: it is a conservative change, it occurs at a poorly conserved position in the protein, it is predicted to be benign by multiple in silico algorithms, and/or has population frequency not consistent with disease.